The following is an entry in ClinVar:

NM_001267550.2(TTN):c.26700C>G (p.Tyr8900Ter)

Gene: TTN (titin; minus strand). Cytogenetic location: 2q31.2.
Variant type: single nucleotide variant.
Coding change: c.26700C>G on transcript NM_001267550.2 (MANE Select); coding-DNA position 26700, C replaced by G.
Protein change: p.Tyr8900Ter; replaces tyrosine 8900 with a stop codon.
Molecular consequence: nonsense. On other transcripts: intron variant (3).
Genome position (GRCh38, 1-based): chr2:178,713,958, G>C on the plus strand (C>G on the coding strand, the complement: TTN is on the minus strand). VCF-style: chr2-178713958-G-C. GRCh37 (hg19) VCF-style: chr2-179578685-G-C.
Other names: c.25749C>G, p.Tyr8583Ter (NM_001256850.1); c.22968C>G, p.Tyr7656Ter (NM_133378.4); c.13282+24124C>G (NM_003319.4); c.13858+24124C>G (NM_133437.4); c.13657+24124C>G (NM_133432.3); short protein forms Y7656*, Y8583*, Y8900*.
Identifiers: ClinVar variation 4820549 (VCV004820549.1).

ClinVar aggregate classification (germline): Likely pathogenic (1 of 4 stars; one submission).

Conditions:
Cardiovascular phenotype. Identifiers: MedGen CN230736.

Submission:

Molecular Diagnostic Laboratory for Inherited Cardiovascular Disease, Montreal Heart Institute
Classification: Likely pathogenic for Cardiovascular phenotype. Last evaluated: 2026-03-04. Review status: criteria provided, single submitter. Criteria: ACMG Guidelines, 2015. Collection method: clinical testing. Allele origin: germline. Affected: yes.
Comment: PVS1_strong, PM2